The following is an entry in ClinVar:

ClinVar aggregate classification (germline): Uncertain significance (1 of 4 stars; one submission).

Conditions:
Intellectual developmental disorder with paroxysmal dyskinesia or seizures. Identifiers: MedGen C5436894, MONDO:0030900, OMIM 619150.

Allele frequency attached by ClinVar (database versions not stated): gnomAD exomes 0.00005 and 0.00008; TOPMed 0.00005; gnomAD 0.00009; ExAC 0.00010; 1000 Genomes Project 30x 0.00016; 1000 Genomes Project 0.00020.
gnomAD v4.1: 91 of 1,613,778 alleles (0.0056%); highest among the groups gnomAD compares: East Asian, 0.0067%; no homozygotes.

Submission:

Laboratorio de Genetica e Diagnostico Molecular, Hospital Israelita Albert Einstein
Classification: Uncertain significance for Intellectual developmental disorder with paroxysmal dyskinesia or seizures. Last evaluated: 2021-09-25. Review status: criteria provided, single submitter. Criteria: ACMG Guidelines, 2015. Collection method: clinical testing. Allele origin: germline. Affected: yes.
Comment: ACMG classification criteria: PP2 supporting, PP3 supporting

NM_002599.5(PDE2A):c.2323C>T (p.Arg775Cys)

Gene: PDE2A (phosphodiesterase 2A; minus strand). Cytogenetic location: 11q13.4.
Variant type: single nucleotide variant.
Coding change: c.2323C>T on transcript NM_002599.5 (MANE Select); coding-DNA position 2323, C replaced by T.
Protein change: p.Arg775Cys; replaces arginine 775 with cysteine.
Molecular consequence: missense variant.
Genome position (GRCh38, 1-based): chr11:72,579,317, G>A on the plus strand (C>T on the coding strand, the complement: PDE2A is on the minus strand). VCF-style: chr11-72579317-G-A. GRCh37 (hg19) VCF-style: chr11-72290361-G-A.
Other names: c.2302C>T, p.Arg768Cys (NM_001143839.4); c.2296C>T, p.Arg766Cys (NM_001146209.3); c.2260C>T, p.Arg754Cys (NM_001243784.2); short protein forms R754C, R766C, R768C, R775C.
Identifiers: ClinVar variation 1683594 (VCV001683594.2), dbSNP rs200032329, ClinGen allele CA6171892.